The following is an entry in ClinVar:

ClinVar aggregate classification (germline): Uncertain significance (1 of 4 stars; one submission).

Conditions:
Schuurs-Hoeijmakers syndrome. Also called: PACS1-Related Neurodevelopmental Disorder. Identifiers: Orphanet 329224, MedGen C3554343, MONDO:0014006, OMIM 615009.

gnomAD v4.1: 11 of 1,612,624 alleles (0.00068%); highest among the groups gnomAD compares: African/African-American, 0.0013%; no homozygotes.

Submission:

Labcorp Genetics (formerly Invitae), Labcorp
Classification: Uncertain significance for Schuurs-Hoeijmakers syndrome. Last evaluated: 2024-02-29. Review status: criteria provided, single submitter. Criteria: Invitae Variant Classification Sherloc (09022015). Collection method: clinical testing. Allele origin: germline.
Comment: This sequence change replaces arginine, which is basic and polar, with tryptophan, which is neutral and slightly polar, at codon 733 of the PACS1 protein (p.Arg733Trp). This variant is present in population databases (rs552759820, gnomAD 0.01%). This variant has not been reported in the literature in individuals affected with PACS1-related conditions. Advanced modeling of protein sequence and biophysical properties (such as structural, functional, and spatial information, amino acid conservation, physicochemical variation, residue mobility, and thermodynamic stability) performed at Invitae indicates that this missense variant is expected to disrupt PACS1 protein function with a positive predictive value of 80%. In summary, the available evidence is currently insufficient to determine the role of this variant in disease. Therefore, it has been classified as a Variant of Uncertain Significance.

NM_018026.4(PACS1):c.2197C>T (p.Arg733Trp)

Gene: PACS1 (phosphofurin acidic cluster sorting protein 1; plus strand). Cytogenetic location: 11q13.2.
Variant type: single nucleotide variant.
Coding change: c.2197C>T on transcript NM_018026.4 (MANE Select); coding-DNA position 2197, C replaced by T.
Protein change: p.Arg733Trp; replaces arginine 733 with tryptophan.
Molecular consequence: missense variant.
Genome position (GRCh38, 1-based): chr11:66,235,393, C>T. VCF-style: chr11-66235393-C-T. GRCh37 (hg19) VCF-style: chr11-66002864-C-T.
Other names: short protein forms R733W.
Identifiers: ClinVar variation 3711227 (VCV003711227.2).
Genomic context (GRCh38, chr11:66,235,393, plus strand): 5'-TACGTCAACGGGGCAGCCACGACACACCAGCTTCCCGTGGCCGAAGCCATGCTGACTTGC[C>T]GGCATAAGTTGTAAGTTTGACTTTGAGGGGTTTCTTAAAAATAGGTTGGGTGGGTTAGAG-3'
Protein context (NP_060496.2, residues 723-743): LPVAEAMLTC[Arg733Trp]HKFPDEDSYQ